The following is an entry in ClinVar:

NM_000548.5(TSC2):c.3465T>A (p.Ser1155=)

Gene: TSC2 (TSC complex subunit 2; plus strand). Cytogenetic location: 16p13.3.
Variant type: single nucleotide variant.
Coding change: c.3465T>A on transcript NM_000548.5 (MANE Select); coding-DNA position 3465, T replaced by A.
Protein change: p.Ser1155=; no amino-acid change (serine 1155 retained).
Molecular consequence: synonymous variant. On other transcripts: non-coding transcript variant (5).
Genome position (GRCh38, 1-based): chr16:2,080,232, T>A. VCF-style: chr16-2080232-T-A. GRCh37 (hg19) VCF-style: chr16-2130233-T-A.
Other names: c.3333T>A, p.Ser1111= (NM_001077183.3, NM_001370404.1, NM_001406665.1); c.3465T>A, p.Ser1155= (NM_001114382.3); c.3225T>A, p.Ser1075= (NM_001318827.2); c.3189T>A, p.Ser1063= (NM_001318829.2); c.2733T>A, p.Ser911= (NM_001318831.2, NM_001406687.1, NM_001406688.1); c.3366T>A, p.Ser1122= (NM_001318832.2); c.3336T>A, p.Ser1112= (NM_001363528.2, NM_001370405.1, NM_021055.3); c.3462T>A, p.Ser1154= (NM_001406663.1, NM_001406664.1); and 18 more.
Identifiers: ClinVar variation 2902141 (VCV002902141.5), dbSNP rs747004487, ClinGen allele CA493042865.

ClinVar aggregate classification (germline): Benign/Likely benign. Review status: criteria provided, multiple submitters, no conflicts (2 of 4 stars). 3 submissions from 3 submitters: Benign (1); Likely benign (2). Last evaluated 2025-05-29.

Conditions:
Hereditary cancer-predisposing syndrome. Also called: Hereditary Cancer Syndrome; Tumor predisposition; Neoplastic Syndromes, Hereditary; Hereditary neoplastic syndrome. Identifiers: Orphanet 140162, MedGen C0027672, MeSH D009386, MONDO:0015356.
Tuberous sclerosis 2 (TSC2). Identifiers: Orphanet 805, MedGen C1860707, MONDO:0013199, OMIM 613254.

Submissions (3):

Myriad Genetics, Inc.
Classification: Benign for Tuberous sclerosis 2. Last evaluated: 2025-05-29. Review status: criteria provided, single submitter. Criteria: Myriad Autosomal Dominant, Autosomal Recessive and X-Linked Classification Criteria (2023). Collection method: clinical testing. Allele origin: unknown.
Comment: This variant is considered benign. This variant is a silent/synonymous amino acid change and it is not expected to impact splicing.

Ambry Genetics
Classification: Likely benign for Hereditary cancer-predisposing syndrome. Last evaluated: 2024-09-15. Review status: criteria provided, single submitter. Criteria: Ambry Variant Classification Scheme 2023. Collection method: clinical testing. Allele origin: germline.

Labcorp Genetics (formerly Invitae), Labcorp
Classification: Likely benign for Tuberous sclerosis 2. Last evaluated: 2022-12-31. Review status: criteria provided, single submitter. Criteria: Invitae Variant Classification Sherloc (09022015). Collection method: clinical testing. Allele origin: germline.